The following is an entry in ClinVar:

NM_001379403.1(WDR26):c.333A>T (p.Gly111=)

Gene: WDR26 (WD repeat domain 26; minus strand). Cytogenetic location: 1q42.12.
Variant type: single nucleotide variant.
Coding change: c.333A>T on transcript NM_001379403.1 (MANE Select); coding-DNA position 333, A replaced by T.
Protein change: p.Gly111=; no amino-acid change (glycine 111 retained).
Molecular consequence: synonymous variant.
Genome position (GRCh38, 1-based): chr1:224,434,073, T>A on the plus strand (A>T on the coding strand, the complement: WDR26 is on the minus strand). VCF-style: chr1-224434073-T-A. GRCh37 (hg19) VCF-style: chr1-224621775-T-A.
Other names: c.33A>T, p.Gly11= (NM_001115113.3, NM_025160.7).
Identifiers: ClinVar variation 4872711 (VCV004872711.2).
Genomic context (GRCh38, chr1:224,434,073, plus strand): 5'-TTCCGGGGTCTGTCCCTGGCCCCCGCCGCCCCCTCCTCCTCCACCGCCGCCGCCGCCACC[T>A]CCTCCTCCTCCTCCTGCCCCATTGGCCTGCATGATGCTGCCGCTGACCAGGCTGTGGCCG-3'
Protein context (NP_001366332.1, residues 101-121): MQANGAGGGG[Gly111=]GGGGGGGGGG

ClinVar aggregate classification (germline): Likely benign (1 of 4 stars; one submission).

gnomAD v4.1: 4 of 1,391,574 alleles (0.00029%); highest among the groups gnomAD compares: Non-Finnish European, 0.00037%; no homozygotes.

Submission:

CeGaT Center for Human Genetics Tuebingen
Classification: Likely benign. Last evaluated: 2026-03-01. Review status: criteria provided, single submitter. Criteria: CeGaT Center For Human Genetics Tuebingen Variant Classification Criteria Version 2. Collection method: clinical testing. Allele origin: germline. Affected: yes. Observed: 1 variant allele.
Comment: WDR26: BP4, BP7